The following is an entry in ClinVar:

NM_004500.4(HNRNPC):c.647A>T (p.Lys216Met)

Gene: HNRNPC (heterogeneous nuclear ribonucleoprotein C; minus strand). Cytogenetic location: 14q11.2.
Variant type: single nucleotide variant.
Coding change: c.647A>T on transcript NM_004500.4 (MANE Select); coding-DNA position 647, A replaced by T.
Protein change: p.Lys216Met; replaces lysine 216 with methionine.
Molecular consequence: missense variant.
Genome position (GRCh38, 1-based): chr14:21,211,557, T>A on the plus strand (A>T on the coding strand, the complement: HNRNPC is on the minus strand). VCF-style: chr14-21211557-T-A. GRCh37 (hg19) VCF-style: chr14-21679716-T-A.
Other names: c.686A>T, p.Lys229Met (NM_001077442.2, NM_031314.3); c.647A>T, p.Lys216Met (NM_001077443.2); short protein forms K216M, K229M.
Identifiers: ClinVar variation 4086520 (VCV004086520.1).

ClinVar aggregate classification (germline): Uncertain significance (1 of 4 stars; one submission).

Submission:

GeneDx
Classification: Uncertain significance. Last evaluated: 2025-03-17. Review status: criteria provided, single submitter. Criteria: GeneDx Variant Classification Process June 2021. Collection method: clinical testing. Allele origin: germline. Affected: yes.
Comment: Not observed at significant frequency in large population cohorts (gnomAD); In silico analysis indicates that this missense variant does not alter protein structure/function; Has not been previously published as pathogenic or benign to our knowledge